The following is an entry in ClinVar:

NM_024675.4(PALB2):c.3170_3175delinsAATCA (p.Ala1057fs)

Gene: PALB2 (partner and localizer of BRCA2; minus strand). Cytogenetic location: 16p12.2.
Variant type: Indel.
Coding change: c.3170_3175delinsAATCA on transcript NM_024675.4 (MANE Select); coding-DNA positions 3170 to 3175, CTTCAG replaced by AATCA.
Protein change: p.Ala1057fs; shifts the reading frame from alanine 1057.
Molecular consequence: frameshift variant.
Genome position (GRCh38, 1-based): chr16:23,614,030-23,614,035, CTGAAG replaced by TGATT on the plus strand (CTTCAG replaced by AATCA on the coding strand, the reverse complement: PALB2 is on the minus strand). VCF-style: chr16-23614030-CTGAAG-TGATT. GRCh37 (hg19) VCF-style: chr16-23625351-CTGAAG-TGATT.
Other names: short protein forms A1057fs.
Identifiers: ClinVar variation 823062 (VCV000823062.7), dbSNP rs1597073266, ClinGen allele CA915949161.

ClinVar aggregate classification (germline): Pathogenic. Review status: criteria provided, multiple submitters, no conflicts (2 of 4 stars). 2 submissions from 2 submitters: Pathogenic (2). Last evaluated 2025-09-15.

Conditions:
Hereditary cancer-predisposing syndrome. Also called: Tumor predisposition; Hereditary Cancer Syndrome; Neoplastic Syndromes, Hereditary; Hereditary neoplastic syndrome. Identifiers: Orphanet 140162, MedGen C0027672, MeSH D009386, MONDO:0015356.

Submissions (2):

Ambry Genetics
Classification: Pathogenic for Hereditary cancer-predisposing syndrome. Last evaluated: 2025-09-15. Review status: criteria provided, single submitter. Criteria: Ambry Variant Classification Scheme 2023. Collection method: clinical testing. Allele origin: germline.
Comment: The c.3170_3175delCTTCAGinsAATCA pathogenic mutation, located in coding exon 11 of the PALB2 gene, results from the deletion of 6 nucleotides and insertion of 5 nucleotides causing a translational frameshift with a predicted alternate stop codon (p.A1057Efs*18). This variant is considered to be rare based on population cohorts in the Genome Aggregation Database (gnomAD). This alteration is expected to result in loss of function by premature protein truncation or nonsense-mediated mRNA decay. As such, this alteration is interpreted as a disease-causing mutation.

Color Diagnostics, LLC DBA Color Health
Classification: Pathogenic for Hereditary cancer-predisposing syndrome. Last evaluated: 2021-07-26. Review status: criteria provided, single submitter. Criteria: ACMG Guidelines, 2015. Collection method: clinical testing. Allele origin: germline.
Comment: This variant alters six nucleotides in exon 11 of the PALB2 gene, creating a frameshift and premature translation stop signal. This variant is expected to result in an absent or non-functional protein product. To our knowledge, functional studies have not been reported for this variant. This variant has not been reported in individuals affected with hereditary cancer in the literature. This variant has not been identified in the general population by the Genome Aggregation Database (gnomAD). Loss of PALB2 function is a known mechanism of disease. Based on the available evidence, this variant is classified as Pathogenic.